The following is an entry in ClinVar:

NM_003070.5(SMARCA2):c.3733C>T (p.Arg1245Ter)

Gene: SMARCA2 (SWI/SNF related BAF chromatin remodeling complex subunit ATPase 2; plus strand). Cytogenetic location: 9p24.3.
Variant type: single nucleotide variant.
Coding change: c.3733C>T on transcript NM_003070.5 (MANE Select); coding-DNA position 3733, C replaced by T.
Protein change: p.Arg1245Ter; replaces arginine 1245 with a stop codon.
Molecular consequence: nonsense.
Genome position (GRCh38, 1-based): chr9:2,119,506, C>T. VCF-style: chr9-2119506-C-T. GRCh37 (hg19) VCF-style: chr9-2119506-C-T.
Other names: c.3733C>T, p.Arg1245Ter (NM_001289396.2, NM_139045.4); c.3559C>T, p.Arg1187Ter (NM_001289397.2); short protein forms R1187*, R1245*.
Identifiers: ClinVar variation 3368182 (VCV003368182.1).
Genomic context (GRCh38, chr9:2,119,506, plus strand): 5'-TTTTAACCCCAGGAAGAAGATGAAGTACCGGACGATGAGACTCTGAACCAAATGATTGCT[C>T]GACGAGAAGAAGAATTTGACCTTTTTATGGTAATGTTACAGAAAATCATGAACACAAATG-3'

ClinVar aggregate classification (germline): Uncertain significance (1 of 4 stars; one submission).

gnomAD v4.1: 1 of 1,612,618 alleles (0.000062%); highest among the groups gnomAD compares: African/African-American, 0.0013%; no homozygotes.

Submission:

GeneDx
Classification: Uncertain significance. Last evaluated: 2024-01-26. Review status: criteria provided, single submitter. Criteria: GeneDx Variant Classification Process June 2021. Collection method: clinical testing. Allele origin: germline. Affected: yes.
Comment: Nonsense variant predicted to result in protein truncation or nonsense mediated decay in a gene or region of a gene for which loss of function is not a well-established mechanism of disease; This variant is associated with the following publications: (PMID: 34312540)